The following is an entry in ClinVar:

NM_017654.4(SAMD9):c.629A>C (p.Asp210Ala)

Gene: SAMD9 (sterile alpha motif domain containing 9; minus strand). Cytogenetic location: 7q21.2.
Variant type: single nucleotide variant.
Coding change: c.629A>C on transcript NM_017654.4 (MANE Select); coding-DNA position 629, A replaced by C.
Protein change: p.Asp210Ala; replaces aspartic acid 210 with alanine.
Molecular consequence: missense variant.
Genome position (GRCh38, 1-based): chr7:93,105,469, T>G on the plus strand (A>C on the coding strand, the complement: SAMD9 is on the minus strand). VCF-style: chr7-93105469-T-G. GRCh37 (hg19) VCF-style: chr7-92734782-T-G.
Other names: c.629A>C, p.Asp210Ala (NM_001193307.2); short protein forms D210A.
Identifiers: ClinVar variation 3949724 (VCV003949724.1).

ClinVar aggregate classification (germline): Uncertain significance (1 of 4 stars; one submission).

Conditions:
Inborn genetic diseases. Identifiers: MedGen C0950123, MeSH D030342.

gnomAD v4.1: 4 of 1,614,090 alleles (0.00025%); highest among the groups gnomAD compares: Non-Finnish European, 0.00034%; no homozygotes.

Submission:

Ambry Genetics
Classification: Uncertain significance for Inborn genetic diseases. Last evaluated: 2025-06-10. Review status: criteria provided, single submitter. Criteria: Ambry Variant Classification Scheme 2023. Collection method: clinical testing. Allele origin: germline.
Comment: The p.D210A variant (also known as c.629A>C), located in coding exon 1 of the SAMD9 gene, results from an A to C substitution at nucleotide position 629. The aspartic acid at codon 210 is replaced by alanine, an amino acid with dissimilar properties. This amino acid position is conserved. In addition, this alteration is predicted to be tolerated by in silico analysis. Based on the available evidence, the clinical significance of this variant remains unclear.